The following is an entry in ClinVar:

ClinVar aggregate classification (germline): Uncertain significance (1 of 4 stars; one submission).

Submission:

GeneDx
Classification: Uncertain significance. Last evaluated: 2025-05-17. Review status: criteria provided, single submitter. Criteria: GeneDx Variant Classification Process June 2021. Collection method: clinical testing. Allele origin: germline. Affected: yes.
Comment: Not observed at significant frequency in large population cohorts (gnomAD); In silico analysis supports that this missense variant has a deleterious effect on protein structure/function; Has not been previously published as pathogenic or benign to our knowledge

NM_001366521.1(ATP2B1):c.2296G>A (p.Ala766Thr)

Gene: ATP2B1 (ATPase plasma membrane Ca2+ transporting 1; minus strand). Cytogenetic location: 12q21.33.
Variant type: single nucleotide variant.
Coding change: c.2296G>A on transcript NM_001366521.1 (MANE Select); coding-DNA position 2296, G replaced by A.
Protein change: p.Ala766Thr; replaces alanine 766 with threonine.
Molecular consequence: missense variant. On other transcripts: non-coding transcript variant (3).
Genome position (GRCh38, 1-based): chr12:89,610,460, C>T on the plus strand (G>A on the coding strand, the complement: ATP2B1 is on the minus strand). VCF-style: chr12-89610460-C-T. GRCh37 (hg19) VCF-style: chr12-90004237-C-T.
Other names: c.2296G>A, p.Ala766Thr (NM_001001323.2, NM_001366520.1, NM_001366522.1 and 12 more transcripts); c.2098G>A, p.Ala700Thr (NM_001366530.1, NM_001413053.1); c.1735G>A, p.Ala579Thr (NM_001366531.1, NM_001366532.1, NM_001413058.1 and 2 more transcripts); c.2257G>A, p.Ala753Thr (NM_001413048.1); c.2155G>A, p.Ala719Thr (NM_001413051.1, NM_001413052.1, NM_001413055.1); c.2053G>A, p.Ala685Thr (NM_001413054.1); c.2041G>A, p.Ala681Thr (NM_001413056.1); c.1843G>A, p.Ala615Thr (NM_001413057.1); short protein forms A579T, A615T, A681T, A685T, A700T, A719T, A753T, A766T.
Identifiers: ClinVar variation 4532423 (VCV004532423.1).